The following is an entry in ClinVar:

ClinVar aggregate classification (germline): Likely benign (0 of 4 stars; one submission).

Conditions:
ARHGDIA-related disorder. Also called: ARHGDIA-related condition.

Allele frequency attached by ClinVar (database versions not stated): gnomAD exomes 0.00006; ExAC 0.00010; 1000 Genomes Project 30x 0.00062; TOPMed 0.00075; gnomAD 0.00076.

Submission:

PreventionGenetics, part of Exact Sciences
Classification: Likely benign for ARHGDIA-related condition. Last evaluated: 2022-02-13. Review status: no assertion criteria provided. Collection method: clinical testing. Allele origin: germline.
Comment: This variant is classified as likely benign based on ACMG/AMP sequence variant interpretation guidelines (Richards et al. 2015 PMID: 25741868, with internal and published modifications).

NM_004309.6(ARHGDIA):c.*168T>C

Gene: ARHGDIA (Rho GDP dissociation inhibitor alpha; minus strand). Cytogenetic location: 17q25.3.
Variant type: single nucleotide variant.
Coding change: c.*168T>C on transcript NM_004309.6 (MANE Select); 168 bases downstream of the stop codon, T replaced by C.
Molecular consequence: 3 prime UTR variant. On other transcripts: missense variant (1), non-coding transcript variant (1), intron variant (2).
Genome position (GRCh38, 1-based): chr17:81,868,708, A>G on the plus strand (T>C on the coding strand, the complement: ARHGDIA is on the minus strand). VCF-style: chr17-81868708-A-G. GRCh37 (hg19) VCF-style: chr17-79826584-A-G.
Other names: c.*168T>C (NM_001185077.3, NM_001185078.3, NM_001301243.2); c.671T>C, p.Leu224Pro (NM_001301242.2); c.503-124T>C (NM_001301240.2, NM_001301241.2); short protein forms L224P.
Identifiers: ClinVar variation 3051366 (VCV003051366.2), dbSNP rs754414636, ClinGen allele CA8843134.